The following is an entry in ClinVar:

NM_015122.3(FCHO1):c.490-49C>T

Gene: FCHO1 (FCH and mu domain containing endocytic adaptor 1; plus strand). Cytogenetic location: 19p13.11.
Variant type: single nucleotide variant.
Coding change: c.490-49C>T on transcript NM_015122.3 (MANE Select); 49 bases into the intron before coding-DNA position 490, C replaced by T.
Molecular consequence: intron variant.
Genome position (GRCh38, 1-based): chr19:17,770,743, C>T. VCF-style: chr19-17770743-C-T. GRCh37 (hg19) VCF-style: chr19-17881552-C-T.
Other names: c.490-49C>T (NM_001384370.1, NM_001384396.1, NM_001384404.1 and 26 more transcripts); c.415-49C>T (NM_001384390.1); c.340-49C>T (NM_001384406.1, NM_001384407.1, NM_001384384.1 and 3 more transcripts); c.451-49C>T (NM_001384388.1, NM_001384405.1, NM_001384389.1).
Identifiers: ClinVar variation 2687991 (VCV002687991.2), dbSNP rs3746197, ClinGen allele CA9300119.

ClinVar aggregate classification (germline): Benign (1 of 4 stars; one submission).

Allele frequency attached by ClinVar (database versions not stated): gnomAD exomes 0.43272; ESP Exome Variant Server 0.45387; gnomAD 0.47069; ExAC 0.47664; TOPMed 0.48997; 1000 Genomes Project 30x 0.56433; 1000 Genomes Project 0.56669.
gnomAD v4.1: 698,933 of 1,598,334 alleles (44%); highest among the groups gnomAD compares: East Asian, 77%; 158,561 homozygotes.

Submission:

Unidad de Genómica Garrahan, Hospital de Pediatría Garrahan
Classification: Benign. Last evaluated: 2024-01-24. Review status: criteria provided, single submitter. Criteria: ACMG Guidelines, 2015. Collection method: clinical testing. Allele origin: germline. Affected: no. Observed: 71 variant alleles.
Comment: This variant is classified as Benign based on local population frequency. This variant was detected in 75% of patients studied by a panel of primary immunodeficiencies. Number of patients: 71. Only high quality variants are reported.